The following is an entry in ClinVar:

ClinVar aggregate classification (germline): Conflicting classifications of pathogenicity. Review status: criteria provided, conflicting classifications (1 of 4 stars). 3 submissions from 3 submitters: Uncertain significance (1); Likely benign (1). 1 of the submissions does not count toward it. Last evaluated 2020-01-31.

Conditions:
PDE11A-related disorder. Also called: PDE11A-related condition.

Allele frequency attached by ClinVar (database versions not stated): gnomAD 0.00004; gnomAD exomes 0.00012 and 0.00066; TOPMed 0.00029; ExAC 0.00054.
gnomAD v4.1: 176 of 1,613,670 alleles (0.011%); highest among the groups gnomAD compares: Admixed American, 0.29%; no homozygotes.

Submissions (3):

GeneDx
Classification: Uncertain significance. Last evaluated: 2020-01-31. Review status: criteria provided, single submitter. Criteria: GeneDx Variant Classification Process June 2021. Collection method: clinical testing. Allele origin: germline. Affected: yes.
Comment: In silico analysis supports that this missense variant does not alter protein structure/function; Has not been previously published as pathogenic or benign to our knowledge

Labcorp Genetics (formerly Invitae), Labcorp
Classification: Likely benign. Last evaluated: 2019-12-31. Review status: criteria provided, single submitter. Criteria: Invitae Variant Classification Sherloc (09022015). Collection method: clinical testing. Allele origin: germline.

PreventionGenetics, part of Exact Sciences
Classification: Likely benign for PDE11A-related condition. Last evaluated: 2020-07-27. Review status: no assertion criteria provided. Collection method: clinical testing. Allele origin: germline. Not counted in ClinVar's aggregate classification.
Comment: This variant is classified as likely benign based on ACMG/AMP sequence variant interpretation guidelines (Richards et al. 2015 PMID: 25741868, with internal and published modifications).

NM_016953.4(PDE11A):c.229G>A (p.Gly77Arg)

Gene: PDE11A (phosphodiesterase 11A; minus strand). Cytogenetic location: 2q31.2.
Variant type: single nucleotide variant.
Coding change: c.229G>A on transcript NM_016953.4 (MANE Select); coding-DNA position 229, G replaced by A.
Protein change: p.Gly77Arg; replaces glycine 77 with arginine.
Molecular consequence: missense variant. On other transcripts: intron variant (1).
Genome position (GRCh38, 1-based): chr2:178,072,209, C>T on the plus strand (G>A on the coding strand, the complement: PDE11A is on the minus strand). VCF-style: chr2-178072209-C-T. GRCh37 (hg19) VCF-style: chr2-178936936-C-T.
Other names: c.162+32093G>A (NM_001077197.2); short protein forms G77R.
Identifiers: ClinVar variation 726310 (VCV000726310.9), dbSNP rs777448999, ClinGen allele CA1982299.
Genomic context (GRCh38, chr2:178,072,209, plus strand): 5'-GAACCCCACCACAGTCCCCGCCACCGGGAAGGGGCTGGCTGTGGGCAGAGCCATTTGGTC[C>T]AGTGCCACCACCAACGCTGCTGCCACCTCTGCAGGTGCTGTGAGCCAAGCTGCTGGTACC-3'
Protein context (NP_058649.3, residues 67-87): RGGSSVGGGT[Gly77Arg]PNGSAHSQPL